The following is an entry in ClinVar:

NM_001846.4(COL4A2):c.4850G>A (p.Arg1617Gln)

Gene: COL4A2 (collagen type IV alpha 2 chain; plus strand). Cytogenetic location: 13q34.
Variant type: single nucleotide variant.
Coding change: c.4850G>A on transcript NM_001846.4 (MANE Select); coding-DNA position 4850, G replaced by A.
Protein change: p.Arg1617Gln; replaces arginine 1617 with glutamine.
Molecular consequence: missense variant.
Genome position (GRCh38, 1-based): chr13:110,508,190, G>A. VCF-style: chr13-110508190-G-A. GRCh37 (hg19) VCF-style: chr13-111160537-G-A.
Other names: short protein forms R1617Q.
Identifiers: ClinVar variation 421472 (VCV000421472.8), dbSNP rs748967769, ClinGen allele CA7050669.
Genomic context (GRCh38, chr13:110,508,190, plus strand): 5'-CCATCGCCATCGCGGTCCACAGTCAGGATGTCTCCATCCCACACTGCCCAGCTGGGTGGC[G>A]GAGTTTGTGGATCGGATATTCCTTCCTCATGGTATGTGGTATTTGCCCAGTTCCCCTCCC-3'
Protein context (NP_001837.2, residues 1607-1627): VSIPHCPAGW[Arg1617Gln]SLWIGYSFLM

ClinVar aggregate classification (germline): Uncertain significance. Review status: criteria provided, multiple submitters, no conflicts (2 of 4 stars). 3 submissions from 3 submitters: Uncertain significance (3). Last evaluated 2024-01-30.

Conditions:
Inborn genetic diseases. Identifiers: MedGen C0950123, MeSH D030342.
Brain small vessel disease 2A, autosomal dominant. Also called: Porencephaly 2. Identifiers: Orphanet 2940, Orphanet 99810, MedGen C3280970, MONDO:0013773, OMIM 614483.

Allele frequency attached by ClinVar (database versions not stated): ExAC 0.00001; gnomAD 0.00001 and 0.00002; gnomAD exomes 0.00001; TOPMed 0.00001.
gnomAD v4.1: 13 of 1,614,106 alleles (0.00081%); highest among the groups gnomAD compares: Admixed American, 0.0033%; no homozygotes.

Submissions (3):

Ambry Genetics
Classification: Uncertain significance for Inborn genetic diseases. Last evaluated: 2024-01-30. Review status: criteria provided, single submitter. Criteria: Ambry Variant Classification Scheme 2023. Collection method: clinical testing. Allele origin: germline.

GeneDx
Classification: Uncertain significance. Last evaluated: 2019-10-09. Review status: criteria provided, single submitter. Criteria: GeneDx Variant Classification Process June 2021. Collection method: clinical testing. Allele origin: germline. Affected: yes.
Comment: In silico analysis, which includes protein predictors and evolutionary conservation, supports that this variant does not alter protein structure/function; Has not been previously published as pathogenic or benign to our knowledge

Illumina Laboratory Services, Illumina
Classification: Uncertain significance for Brain small vessel disease 2A, autosomal dominant. Last evaluated: 2018-01-13. Review status: criteria provided, single submitter. Criteria: ICSL Variant Classification Criteria 13 December 2019. Collection method: clinical testing. Allele origin: germline.